The following is an entry in ClinVar:

NM_004260.4(RECQL4):c.944C>G (p.Ser315Trp)

Gene: RECQL4 (RecQ like helicase 4; minus strand). Cytogenetic location: 8q24.3.
Variant type: single nucleotide variant.
Coding change: c.944C>G on transcript NM_004260.4 (MANE Select); coding-DNA position 944, C replaced by G.
Protein change: p.Ser315Trp; replaces serine 315 with tryptophan.
Molecular consequence: missense variant.
Genome position (GRCh38, 1-based): chr8:144,516,175, G>C on the plus strand (C>G on the coding strand, the complement: RECQL4 is on the minus strand). VCF-style: chr8-144516175-G-C. GRCh37 (hg19) VCF-style: chr8-145741559-G-C.
Other names: short protein forms S315W.
Identifiers: ClinVar variation 644616 (VCV000644616.6), dbSNP rs376493359, ClinGen allele CA372688595.

ClinVar aggregate classification (germline): Uncertain significance. Review status: criteria provided, multiple submitters, no conflicts (2 of 4 stars). 2 submissions from 2 submitters: Uncertain significance (2). Last evaluated 2025-02-20.

Conditions:
Inborn genetic diseases. Identifiers: MedGen C0950123, MeSH D030342.
Baller-Gerold syndrome (BGS). Also called: CRANIOSYNOSTOSIS WITH RADIAL DEFECTS. Identifiers: Orphanet 1225, MedGen C0265308, MONDO:0009039, OMIM 218600.

Submissions (2):

Ambry Genetics
Classification: Uncertain significance for Inborn genetic diseases. Last evaluated: 2025-02-20. Review status: criteria provided, single submitter. Criteria: Ambry Variant Classification Scheme 2023. Collection method: clinical testing. Allele origin: germline.
Comment: The p.S315W variant (also known as c.944C>G), located in coding exon 5 of the RECQL4 gene, results from a C to G substitution at nucleotide position 944. The serine at codon 315 is replaced by tryptophan, an amino acid with highly dissimilar properties. This amino acid position is conserved. In addition, this alteration is predicted to be tolerated by in silico analysis. Based on the available evidence, the clinical significance of this variant remains unclear.

Labcorp Genetics (formerly Invitae), Labcorp
Classification: Uncertain significance for Baller-Gerold syndrome. Last evaluated: 2022-08-10. Review status: criteria provided, single submitter. Criteria: Invitae Variant Classification Sherloc (09022015). Collection method: clinical testing. Allele origin: germline.
Comment: In summary, the available evidence is currently insufficient to determine the role of this variant in disease. Therefore, it has been classified as a Variant of Uncertain Significance. ClinVar contains an entry for this variant (Variation ID: 644616). This variant has not been reported in the literature in individuals affected with RECQL4-related conditions. This variant is not present in population databases (gnomAD no frequency). This sequence change replaces serine, which is neutral and polar, with tryptophan, which is neutral and slightly polar, at codon 315 of the RECQL4 protein (p.Ser315Trp).